The following is an entry in ClinVar:

NM_006506.5(RASA2):c.1381G>C (p.Asp461His)

Gene: RASA2 (RAS p21 protein activator 2; plus strand). Cytogenetic location: 3q23.
Variant type: single nucleotide variant.
Coding change: c.1381G>C on transcript NM_006506.5 (MANE Select); coding-DNA position 1381, G replaced by C.
Protein change: p.Asp461His; replaces aspartic acid 461 with histidine.
Molecular consequence: missense variant.
Genome position (GRCh38, 1-based): chr3:141,573,965, G>C. VCF-style: chr3-141573965-G-C. GRCh37 (hg19) VCF-style: chr3-141292807-G-C.
Other names: c.1381G>C, p.Asp461His (NM_001303245.3, NM_001303246.3); short protein forms D461H.
Identifiers: ClinVar variation 1514532 (VCV001514532.8), dbSNP rs2082966364, ClinGen allele CA354778575.
Genomic context (GRCh38, chr3:141,573,965, plus strand): 5'-ACATCAAAATCTTAATGTTTACCTTTTTAAATCCTGCAGGAGAATCTGCGCTACTATGTA[G>C]ACAAGTTATTCAATACAATTGTAAAATCAAGTATGAGCTGCCCCACTGTAATGTGTGATA-3'
Protein context (NP_006497.2, residues 451-471): NNKENLRYYV[Asp461His]KLFNTIVKSS

ClinVar aggregate classification (germline): Uncertain significance (1 of 4 stars; one submission).

gnomAD v4.1: 3 of 1,587,588 alleles (0.00019%); highest among the groups gnomAD compares: Non-Finnish European, 0.00026%; no homozygotes.

Submission:

Labcorp Genetics (formerly Invitae), Labcorp
Classification: Uncertain significance. Last evaluated: 2024-04-25. Review status: criteria provided, single submitter. Criteria: Invitae Variant Classification Sherloc (09022015). Collection method: clinical testing. Allele origin: germline.
Comment: This sequence change replaces aspartic acid, which is acidic and polar, with histidine, which is basic and polar, at codon 461 of the RASA2 protein (p.Asp461His). This variant is not present in population databases (gnomAD no frequency). This variant has not been reported in the literature in individuals affected with RASA2-related conditions. ClinVar contains an entry for this variant (Variation ID: 1514532). Advanced modeling of protein sequence and biophysical properties (such as structural, functional, and spatial information, amino acid conservation, physicochemical variation, residue mobility, and thermodynamic stability) performed at Invitae indicates that this missense variant is not expected to disrupt RASA2 protein function with a negative predictive value of 80%. In summary, the available evidence is currently insufficient to determine the role of this variant in disease. Therefore, it has been classified as a Variant of Uncertain Significance.